The following is an entry in ClinVar:

NM_004589.4(SCO1):c.358G>T (p.Ala120Ser)

Gene: SCO1 (synthesis of cytochrome C oxidase 1; minus strand). Cytogenetic location: 17p13.1.
Variant type: single nucleotide variant.
Coding change: c.358G>T on transcript NM_004589.4 (MANE Select); coding-DNA position 358, G replaced by T.
Protein change: p.Ala120Ser; replaces alanine 120 with serine.
Molecular consequence: missense variant.
Genome position (GRCh38, 1-based): chr17:10,695,747, C>A on the plus strand (G>T on the coding strand, the complement: SCO1 is on the minus strand). VCF-style: chr17-10695747-C-A. GRCh37 (hg19) VCF-style: chr17-10599064-C-A.
Other names: short protein forms A120S.
Identifiers: ClinVar variation 1984746 (VCV001984746.3), dbSNP rs762261772, ClinGen allele CA8393643.

ClinVar aggregate classification (germline): Uncertain significance. Review status: criteria provided, multiple submitters, no conflicts (2 of 4 stars). 2 submissions from 2 submitters: Uncertain significance (2). Last evaluated 2024-06-24.

Conditions:
Mitochondrial complex IV deficiency, nuclear type 4. Also called: Mitochondrial complex 4 deficiency, nuclear type 4. Identifiers: MedGen C5436683, MONDO:0033636, OMIM 619048.

Allele frequency attached by ClinVar (database versions not stated): ExAC 0.00002; gnomAD exomes 0.00002; TOPMed 0.00004.
gnomAD v4.1: 24 of 1,608,802 alleles (0.0015%); highest among the groups gnomAD compares: Admixed American, 0.02%; no homozygotes.

Submissions (2):

Fulgent Genetics
Classification: Uncertain significance for Mitochondrial complex IV deficiency, nuclear type 4. Last evaluated: 2024-06-24. Review status: criteria provided, single submitter. Criteria: ACMG Guidelines, 2015. Collection method: clinical testing. Allele origin: germline.

Labcorp Genetics (formerly Invitae), Labcorp
Classification: Uncertain significance. Last evaluated: 2022-07-26. Review status: criteria provided, single submitter. Criteria: Invitae Variant Classification Sherloc (09022015). Collection method: clinical testing. Allele origin: germline.
Comment: This sequence change replaces alanine, which is neutral and non-polar, with serine, which is neutral and polar, at codon 120 of the SCO1 protein (p.Ala120Ser). In summary, the available evidence is currently insufficient to determine the role of this variant in disease. Therefore, it has been classified as a Variant of Uncertain Significance. Algorithms developed to predict the effect of missense changes on protein structure and function (SIFT, PolyPhen-2, Align-GVGD) all suggest that this variant is likely to be tolerated. This variant has not been reported in the literature in individuals affected with SCO1-related conditions. This variant is present in population databases (rs762261772, gnomAD 0.03%).